The following is an entry in ClinVar:

NM_001037.5(SCN1B):c.*86A>C

Gene: SCN1B (sodium voltage-gated channel beta subunit 1; plus strand). Cytogenetic location: 19q13.11.
Variant type: single nucleotide variant.
Coding change: c.*86A>C on transcript NM_001037.5 (MANE Select); 86 bases downstream of the stop codon, A replaced by C.
Molecular consequence: 3 prime UTR variant.
Genome position (GRCh38, 1-based): chr19:35,039,877, A>C. VCF-style: chr19-35039877-A-C. GRCh37 (hg19) VCF-style: chr19-35530781-A-C.
Other names: c.*86A>C (NM_001321605.2).
Identifiers: ClinVar variation 891819 (VCV000891819.6), dbSNP rs2278996, ClinGen allele CA14641507.

ClinVar aggregate classification (germline): Benign. Review status: criteria provided, multiple submitters, no conflicts (2 of 4 stars). 4 submissions from 3 submitters: Benign (4). Last evaluated 2018-01-12.

Conditions:
Brugada syndrome 5 (BRGDA5). Identifiers: Orphanet 130, Orphanet 871, MedGen C2748541, MONDO:0013015, OMIM 612838.
Generalized epilepsy with febrile seizures plus, type 1 (GEFSP1). Also called: GEFS+, TYPE 1. Identifiers: Orphanet 36387, MedGen C1858672, MONDO:0011416, OMIM 604233.

Allele frequency attached by ClinVar (database versions not stated): 1000 Genomes Project 30x 0.13164; 1000 Genomes Project 0.13618; TOPMed 0.13933; gnomAD 0.14285 and 0.14348; gnomAD exomes 0.15592.
gnomAD v4.1: 103,593 of 673,772 alleles (15%); highest among the groups gnomAD compares: East Asian, 21%; 8,529 homozygotes.

Submissions (4):

Illumina Laboratory Services, Illumina
Classification: Benign for Brugada syndrome 5. Last evaluated: 2018-01-12. Review status: criteria provided, single submitter. Criteria: ICSL Variant Classification Criteria 13 December 2019. Collection method: clinical testing. Allele origin: germline.
Comment: This variant was observed in the ICSL laboratory as part of a predisposition screen in an ostensibly healthy population. It had not been previously curated by ICSL or reported in the Human Gene Mutation Database (HGMD: prior to June 1st, 2018), and was therefore a candidate for classification through an automated scoring system. Utilizing variant allele frequency, disease prevalence and penetrance estimates, and inheritance mode, an automated score was calculated to assess if this variant is too frequent to cause the disease. Based on the score and internal cut-off values, a variant classified as benign is not then subjected to further curation. The score for this variant resulted in a classification of benign for this disease.

Illumina Laboratory Services, Illumina
Classification: Benign for Generalized epilepsy with febrile seizures plus, type 1. Last evaluated: 2018-01-12. Review status: criteria provided, single submitter. Criteria: ICSL Variant Classification Criteria 13 December 2019. Collection method: clinical testing. Allele origin: germline.
Comment: the same text as in the submission from Illumina Laboratory Services, Illumina above.

GeneDx
Classification: Benign. Last evaluated: 2015-03-03. Review status: criteria provided, single submitter. Criteria: GeneDx Variant Classification Process June 2021. Collection method: clinical testing. Allele origin: germline. Affected: yes.

Breakthrough Genomics
Classification: Benign. Review status: criteria provided, single submitter. Criteria: ACMG Guidelines, 2015. Collection method: not provided. Allele origin: germline. Inheritance: Autosomal recessive inheritance. Affected: yes.